The following is an entry in ClinVar:

NM_022089.4(ATP13A2):c.1789A>T (p.Thr597Ser)

Gene: ATP13A2 (ATPase cation transporting 13A2; minus strand). Cytogenetic location: 1p36.13.
Variant type: single nucleotide variant.
Coding change: c.1789A>T on transcript NM_022089.4 (MANE Select); coding-DNA position 1789, A replaced by T.
Protein change: p.Thr597Ser; replaces threonine 597 with serine.
Molecular consequence: missense variant.
Genome position (GRCh38, 1-based): chr1:16,992,542, T>A on the plus strand (A>T on the coding strand, the complement: ATP13A2 is on the minus strand). VCF-style: chr1-16992542-T-A. GRCh37 (hg19) VCF-style: chr1-17319037-T-A.
Other names: c.1774A>T, p.Thr592Ser (NM_001141973.3, NM_001141974.3); short protein forms T592S, T597S.
Identifiers: ClinVar variation 1780148 (VCV001780148.2), dbSNP rs2076972711, ClinGen allele CA338246989.
Genomic context (GRCh38, chr1:16,992,542, plus strand): 5'-TCACCATTGCCTGCAGCTGGGGCTCCCAAAGTGGGGGTCTCATCACTGCCAAGACCTGGG[T>A]CCCAAATGCTGAGTCTGCAGCCGGCTCTTCCTCCAGGACCTGGCAGGCAGGCAGGGAAGT-3'
Protein context (NP_071372.1, residues 587-607): EEPAADSAFG[Thr597Ser]QVLAVMRPPL

ClinVar aggregate classification (germline): Uncertain significance (1 of 4 stars; one submission).

Conditions:
Inborn genetic diseases. Identifiers: MedGen C0950123, MeSH D030342.

Allele frequency attached by ClinVar (database versions not stated): TOPMed below 0.00001; gnomAD 0.00001.

Submission:

Ambry Genetics
Classification: Uncertain significance for Inborn genetic diseases. Last evaluated: 2019-11-13. Review status: criteria provided, single submitter. Criteria: Ambry Variant Classification Scheme 2023. Collection method: clinical testing. Allele origin: germline.
Comment: The p.T597S variant (also known as c.1789A>T), located in coding exon 17 of the ATP13A2 gene, results from an A to T substitution at nucleotide position 1789. The threonine at codon 597 is replaced by serine, an amino acid with similar properties. This amino acid position is well conserved in available vertebrate species. In addition, this alteration is predicted to be tolerated by in silico analysis. Since supporting evidence is limited at this time, the clinical significance of this alteration remains unclear.